The following is an entry in ClinVar:

NM_003458.4(BSN):c.7241G>A (p.Arg2414Gln)

Gene: BSN (bassoon presynaptic cytomatrix protein; plus strand). Cytogenetic location: 3p21.31.
Variant type: single nucleotide variant.
Coding change: c.7241G>A on transcript NM_003458.4 (MANE Select); coding-DNA position 7241, G replaced by A.
Protein change: p.Arg2414Gln; replaces arginine 2414 with glutamine.
Molecular consequence: missense variant.
Genome position (GRCh38, 1-based): chr3:49,656,797, G>A. VCF-style: chr3-49656797-G-A. GRCh37 (hg19) VCF-style: chr3-49694230-G-A.
Other names: short protein forms R2414Q.
Identifiers: ClinVar variation 3052677 (VCV003052677.2), dbSNP rs148674638, ClinGen allele CA2400629.
Genomic context (GRCh38, chr3:49,656,797, plus strand): 5'-TAGAGCGGGAACGTGTGGAGCTGCAGAGGCACCGTGAGGAGGAGCAGCTGCTGGTGCAGC[G>A]GGAGTTGCAGGAGCTGCAGACCATCAAGCACCATGTGCTGCAGCAGCAGCAAGAGGAACG-3'
Protein context (NP_003449.2, residues 2404-2424): HREEEQLLVQ[Arg2414Gln]ELQELQTIKH

ClinVar aggregate classification (germline): Likely benign (0 of 4 stars; one submission).

Conditions:
BSN-related disorder. Also called: BSN-related condition.

Allele frequency attached by ClinVar (database versions not stated): 1000 Genomes Project 0.00100; ESP Exome Variant Server 0.00123; TOPMed 0.00133; 1000 Genomes Project 30x 0.00141; gnomAD 0.00164; gnomAD exomes 0.00221; ExAC 0.00277.
gnomAD v4.1: 3,432 of 1,590,434 alleles (0.22%); highest among the groups gnomAD compares: Non-Finnish European, 0.24%; 9 homozygotes.

Submission:

PreventionGenetics, part of Exact Sciences
Classification: Likely benign for BSN-related condition. Last evaluated: 2019-03-08. Review status: no assertion criteria provided. Collection method: clinical testing. Allele origin: germline.
Comment: This variant is classified as likely benign based on ACMG/AMP sequence variant interpretation guidelines (Richards et al. 2015 PMID: 25741868, with internal and published modifications).